The following is an entry in ClinVar:

NM_004006.3(DMD):c.4739T>C (p.Met1580Thr)

Gene: DMD (dystrophin; minus strand). Cytogenetic location: Xp21.1.
Variant type: single nucleotide variant.
Coding change: c.4739T>C on transcript NM_004006.3 (MANE Select); coding-DNA position 4739, T replaced by C.
Protein change: p.Met1580Thr; replaces methionine 1580 with threonine.
Molecular consequence: missense variant.
Genome position (GRCh38, 1-based): chrX:32,380,616, A>G on the plus strand (T>C on the coding strand, the complement: DMD is on the minus strand). VCF-style: chrX-32380616-A-G. GRCh37 (hg19) VCF-style: chrX-32398733-A-G.
Other names: c.4715T>C, p.Met1572Thr (NM_000109.4); c.4727T>C, p.Met1576Thr (NM_004009.3); c.4370T>C, p.Met1457Thr (NM_004010.3); c.716T>C, p.Met239Thr (NM_004011.4); c.707T>C, p.Met236Thr (NM_004012.4); short protein forms M1457T, M1580T, M239T, M1572T, M1576T, M236T.
Identifiers: ClinVar variation 2810929 (VCV002810929.4), dbSNP rs764192677, ClinGen allele CA10378874.
Genomic context (GRCh38, chrX:32,380,616, plus strand): 5'-ACTGCTGATCTCTTTGTCAATTCCATATCTGTAGCTGCCAGCCATTCTGTCAAGACATTC[A>G]TTTCCTTTCGCATCTTACGGGACAATTTCAAGCATTTCTCCAACTGTTGCTTTCTTTCTG-3'
Protein context (NP_003997.2, residues 1570-1590): LKLSRKMRKE[Met1580Thr]NVLTEWLAAT

ClinVar aggregate classification (germline): Uncertain significance. Review status: criteria provided, single submitter (1 of 4 stars). 2 submissions from 2 submitters: Uncertain significance (1). 1 of the submissions does not count toward it. Last evaluated 2022-10-31.

Conditions:
Duchenne muscular dystrophy (DMD). Also called: MUSCULAR DYSTROPHY, PSEUDOHYPERTROPHIC PROGRESSIVE, DUCHENNE TYPE; Duchenne Muscular Dystrophy (DMD). Identifiers: Orphanet 98896, MedGen C0013264, MONDO:0010679, OMIM 310200.
Becker muscular dystrophy, Cardiomyopathy, Duchenne muscular dystrophy, Dystrophin deficiency.

Allele frequency attached by ClinVar (database versions not stated): ExAC 0.00001.

Submissions (2):

Labcorp Genetics (formerly Invitae), Labcorp
Classification: Uncertain significance for Duchenne muscular dystrophy. Last evaluated: 2022-10-31. Review status: criteria provided, single submitter. Criteria: Invitae Variant Classification Sherloc (09022015). Collection method: clinical testing. Allele origin: germline.
Comment: In summary, the available evidence is currently insufficient to determine the role of this variant in disease. Therefore, it has been classified as a Variant of Uncertain Significance. Advanced modeling of protein sequence and biophysical properties (such as structural, functional, and spatial information, amino acid conservation, physicochemical variation, residue mobility, and thermodynamic stability) performed at Invitae indicates that this missense variant is not expected to disrupt DMD protein function. This variant has not been reported in the literature in individuals affected with DMD-related conditions. This variant is present in population databases (rs764192677, gnomAD 0.006%). This sequence change replaces methionine, which is neutral and non-polar, with threonine, which is neutral and polar, at codon 1580 of the DMD protein (p.Met1580Thr).

Natera, Inc.
Classification: Uncertain significance for Becker muscular dystrophy, Cardiomyopathy, Duchenne muscular dystrophy, Dystrophin deficiency. Last evaluated: 2025-02-06. Review status: no assertion criteria provided. Collection method: clinical testing. Allele origin: germline. Not counted in ClinVar's aggregate classification.